The following is an entry in ClinVar:

NM_020754.4(ARHGAP31):c.2195C>T (p.Thr732Ile)

Gene: ARHGAP31 (Rho GTPase activating protein 31; plus strand). Cytogenetic location: 3q13.33.
Variant type: single nucleotide variant.
Coding change: c.2195C>T on transcript NM_020754.4 (MANE Select); coding-DNA position 2195, C replaced by T.
Protein change: p.Thr732Ile; replaces threonine 732 with isoleucine.
Molecular consequence: missense variant.
Genome position (GRCh38, 1-based): chr3:119,414,124, C>T. VCF-style: chr3-119414124-C-T. GRCh37 (hg19) VCF-style: chr3-119132971-C-T.
Other names: c.2195C>T (NM_020754.3); short protein forms T732I.
Identifiers: ClinVar variation 1354094 (VCV001354094.7), dbSNP rs2080744559, ClinGen allele CA354049704.

ClinVar aggregate classification (germline): Uncertain significance. Review status: criteria provided, multiple submitters, no conflicts (2 of 4 stars). 2 submissions from 2 submitters: Uncertain significance (2). Last evaluated 2026-01-05.

Conditions:
ARHGAP31-related disorder. Also called: ARHGAP31-related condition.

Allele frequency attached by ClinVar (database versions not stated): gnomAD 0.00001; gnomAD exomes 0.00001; TOPMed 0.00001.
gnomAD v4.1: 4 of 1,614,090 alleles (0.00025%); highest among the groups gnomAD compares: Non-Finnish European, 0.00034%; no homozygotes.

Submissions (2):

Labcorp Genetics (formerly Invitae), Labcorp
Classification: Uncertain significance. Last evaluated: 2026-01-05. Review status: criteria provided, single submitter. Criteria: Invitae Variant Classification Sherloc (09022015). Collection method: clinical testing. Allele origin: germline.
Comment: This sequence change replaces threonine, which is neutral and polar, with isoleucine, which is neutral and non-polar, at codon 732 of the ARHGAP31 protein (p.Thr732Ile). This variant is not present in population databases (gnomAD no frequency). This variant has not been reported in the literature in individuals affected with ARHGAP31-related conditions. ClinVar contains an entry for this variant (Variation ID: 1354094). An algorithm developed to predict the effect of missense changes on protein structure and function outputs the following: PolyPhen-2: "Benign". The isoleucine amino acid residue is found in multiple mammalian species, which suggests that this missense change does not adversely affect protein function. In summary, the available evidence is currently insufficient to determine the role of this variant in disease. Therefore, it has been classified as a Variant of Uncertain Significance.

PreventionGenetics, part of Exact Sciences
Classification: Uncertain significance for ARHGAP31-related condition. Last evaluated: 2025-08-12. Review status: criteria provided, single submitter. Criteria: ACMG Guidelines, 2015. Collection method: clinical testing. Allele origin: germline.
Comment: The ARHGAP31 c.2195C>T variant is predicted to result in the amino acid substitution p.Thr732Ile. To our knowledge, this variant has not been reported in the literature. This variant is absent in a large population database (gnomAD), indicating this variant is rare. At this time, the clinical significance of this variant is uncertain due to the absence of conclusive functional and genetic evidence.